The following is an entry in ClinVar:

ClinVar aggregate classification (germline): Likely pathogenic (1 of 4 stars; one submission).

Conditions:
Microcephaly, normal intelligence and immunodeficiency (NBS). Also called: Nijmegen breakage syndrome; Microcephaly with normal intelligence immunodeficiency and lymphoreticular malignancies; Nonsyndromal microcephaly autosomal recessive with normal intelligence; Seemanova syndrome 2; IMMUNODEFICIENCY, MICROCEPHALY, AND CHROMOSOMAL INSTABILITY; Ataxia telangiectasia variant V1. Identifiers: Orphanet 647, MedGen C0398791, MONDO:0009623, OMIM 251260.

Submission:

Labcorp Genetics (formerly Invitae), Labcorp
Classification: Likely pathogenic for Microcephaly, normal intelligence and immunodeficiency. Last evaluated: 2023-08-28. Review status: criteria provided, single submitter. Criteria: Invitae Variant Classification Sherloc (09022015). Collection method: clinical testing. Allele origin: germline.
Comment: This sequence change creates a premature translational stop signal (p.Asn716Glufs*26) in the NBN gene. While this is not anticipated to result in nonsense mediated decay, it is expected to disrupt the last 39 amino acid(s) of the NBN protein. In summary, the currently available evidence indicates that the variant is pathogenic, but additional data are needed to prove that conclusively. Therefore, this variant has been classified as Likely Pathogenic. This variant disrupts the ATM interaction domain of the NBN protein (PMID: 24894818, 21035407), which is important for activating ATM in the double-strand break repair pathway (PMID: 15964794, 15048089). While functional studies have not been performed to directly test the effect of this variant on NBN protein function, this suggests that disruption of this region of the protein is causative of disease. ClinVar contains an entry for this variant (Variation ID: 967219). This variant has not been reported in the literature in individuals affected with NBN-related conditions. This variant is not present in population databases (gnomAD no frequency).

Literature cited by the submitters: PubMed 24894818; PubMed 21035407; PubMed 15964794; PubMed 15048089.

NM_002485.5(NBN):c.2144dup (p.Asn716fs)

Gene: NBN (nibrin; minus strand). Cytogenetic location: 8q21.3.
Variant type: Duplication.
Coding change: c.2144dup on transcript NM_002485.5 (MANE Select); coding-DNA position 2144, one base duplicated (A; older notation c.2144dupA).
Protein change: p.Asn716fs; shifts the reading frame from asparagine 716.
Molecular consequence: frameshift variant.
Genome position (GRCh38, 1-based): chr8:89,943,293, T duplicated on the plus strand (A on the coding strand, the reverse complement: NBN is on the minus strand); the first of 3 consecutive T bases (chr8:89,943,293-89,943,295); duplicating any one gives the same sequence. VCF-style (leftmost placement, unchanged base first): chr8-89943292-C-CT. GRCh37 (hg19) VCF-style: chr8-90955520-C-CT.
Other names: c.1898dup, p.Asn634fs (NM_001024688.3); short protein forms N634fs, N716fs.
Identifiers: ClinVar variation 967219 (VCV000967219.7), dbSNP rs1810033982, ClinGen allele CA1139660632.